The following is an entry in ClinVar:

NM_182961.4(SYNE1):c.7786C>T (p.Arg2596Cys)

Gene: SYNE1 (spectrin repeat containing nuclear envelope protein 1; minus strand). Cytogenetic location: 6q25.2.
Variant type: single nucleotide variant.
Coding change: c.7786C>T on transcript NM_182961.4 (MANE Select); coding-DNA position 7786, C replaced by T.
Protein change: p.Arg2596Cys; replaces arginine 2596 with cysteine.
Molecular consequence: missense variant.
Genome position (GRCh38, 1-based): chr6:152,391,495, G>A on the plus strand (C>T on the coding strand, the complement: SYNE1 is on the minus strand). VCF-style: chr6-152391495-G-A. GRCh37 (hg19) VCF-style: chr6-152712630-G-A.
Other names: c.7807C>T, p.Arg2603Cys (NM_033071.5); short protein forms R2603C, R2596C.
Identifiers: ClinVar variation 805583 (VCV000805583.6), dbSNP rs768574390, ClinGen allele CA4057683.

ClinVar aggregate classification (germline): Uncertain significance. Review status: criteria provided, multiple submitters, no conflicts (2 of 4 stars). 2 submissions from 2 submitters: Uncertain significance (2). Last evaluated 2024-11-11.

Conditions:
Emery-Dreifuss muscular dystrophy 4, autosomal dominant (EDMD4). Also called: EMERY-DREIFUSS MUSCULAR DYSTROPHY 4 WITH VARIABLE FEATURES. Identifiers: Orphanet 261, MedGen C2751807, MONDO:0013071, OMIM 612998.
Autosomal recessive ataxia, Beauce type. Also called: Spinocerebellar ataxia, autosomal recessive 8; ATAXIA, RECESSIVE, OF BEAUCE; SYNE1 Deficiency; SYNE1-Related Autosomal Recessive Cerebellar Ataxia. Identifiers: Orphanet 88644, MedGen C1853116, MONDO:0012549, OMIM 610743.

Allele frequency attached by ClinVar (database versions not stated): gnomAD exomes 0.00001; ExAC 0.00002; TOPMed 0.00002.
gnomAD v4.1: 9 of 1,611,860 alleles (0.00056%); highest among the groups gnomAD compares: South Asian, 0.0011%; no homozygotes.

Submissions (2):

Labcorp Genetics (formerly Invitae), Labcorp
Classification: Uncertain significance for Emery-Dreifuss muscular dystrophy 4, autosomal dominant; Autosomal recessive ataxia, Beauce type. Last evaluated: 2024-11-11. Review status: criteria provided, single submitter. Criteria: Invitae Variant Classification Sherloc (09022015). Collection method: clinical testing. Allele origin: germline.
Comment: This sequence change replaces arginine, which is basic and polar, with cysteine, which is neutral and slightly polar, at codon 2603 of the SYNE1 protein (p.Arg2603Cys). This variant is present in population databases (rs768574390, gnomAD 0.003%). This variant has not been reported in the literature in individuals affected with SYNE1-related conditions. ClinVar contains an entry for this variant (Variation ID: 805583). An algorithm developed to predict the effect of missense changes on protein structure and function (PolyPhen-2) suggests that this variant is likely to be tolerated. In summary, the available evidence is currently insufficient to determine the role of this variant in disease. Therefore, it has been classified as a Variant of Uncertain Significance.

Athena Diagnostics
Classification: Uncertain significance. Last evaluated: 2019-03-27. Review status: criteria provided, single submitter. Criteria: Athena Diagnostics Criteria. Collection method: clinical testing. Allele origin: germline.